The following is an entry in ClinVar:

ClinVar aggregate classification (germline): Pathogenic/Likely pathogenic. Review status: criteria provided, multiple submitters, no conflicts (2 of 4 stars). 4 submissions from 4 submitters: Pathogenic (3); Likely pathogenic (1). Last evaluated 2024-09-13.

Conditions:
Hereditary cancer-predisposing syndrome. Also called: Tumor predisposition; Hereditary Cancer Syndrome; Neoplastic Syndromes, Hereditary; Hereditary neoplastic syndrome. Identifiers: Orphanet 140162, MedGen C0027672, MeSH D009386, MONDO:0015356.
Rhabdoid tumor predisposition syndrome 2 (RTPS2). Identifiers: Orphanet 231108, Orphanet 69077, MedGen C2750074, MONDO:0013224, OMIM 613325.

Allele frequency attached by ClinVar (database versions not stated): gnomAD exomes below 0.00001.
gnomAD v4.1: 1 of 1,614,130 alleles (0.000062%); highest among the groups gnomAD compares: Non-Finnish European, 0.000085%; no homozygotes.

Submissions (4):

Ambry Genetics
Classification: Pathogenic for Hereditary cancer-predisposing syndrome. Last evaluated: 2024-09-13. Review status: criteria provided, single submitter. Criteria: Ambry Variant Classification Scheme 2023. Collection method: clinical testing. Allele origin: germline.
Comment: The p.R1093* pathogenic mutation (also known as c.3277C>T), located in coding exon 23 of the SMARCA4 gene, results from a C to T substitution at nucleotide position 3277. This changes the amino acid from an arginine to a stop codon within coding exon 23. This alteration has been identified in at least one individual diagnosed with small-cell carcinoma of the ovary, hypercalcemic type (SCCOHT) (Ambry internal data). Additionally, this alteration has been identified as a recurrent somatic alteration in SCCOHTs and atypical teratoid/rhabdoid tumor (AT/RT), including in tumors demonstrating loss of SMARCA4 protein expression by IHC (Ramos P et al. Nat. Genet. 2014 May;46:427-9; Lin DI et al. Gynecol. Oncol. 2017 12;147:626-633; Kupryjaczyk J et al. Pol J Pathol 2013 Dec;64:238-46; Jelinic P et al. Mod. Pathol. 2016 Jan;29:60-6; Bookhout C et al. Neuropathology 2018 Jun;38:305-308). This variant is considered to be rare based on population cohorts in the Genome Aggregation Database (gnomAD). This alteration is expected to result in loss of function by premature protein truncation or nonsense-mediated mRNA decay. Loss-of-function variants in SMARCA4 are known to cause rhabdoid tumor predisposition syndrome including small cell carcinoma of the ovary-hypercalcemic type (SCCOHT); however, such associations with neurodevelopmental disorders are exceedingly rare (Kosho T et al. Am J Med Genet C Semin Med Genet. 2014 Sep;166C(3):262-75; Jelinic P et al. Nat Genet. 2014 May;46(5):424-6). Based on the supporting evidence, this alteration is pathogenic for rhabdoid tumor predisposition syndrome; however, the association of this alteration with Coffin-Siris syndrome is unlikely.

Labcorp Genetics (formerly Invitae), Labcorp
Classification: Pathogenic for Rhabdoid tumor predisposition syndrome 2. Last evaluated: 2023-12-19. Review status: criteria provided, single submitter. Criteria: Invitae Variant Classification Sherloc (09022015). Collection method: clinical testing. Allele origin: germline.
Comment: This sequence change creates a premature translational stop signal (p.Arg1093*) in the SMARCA4 gene. It is expected to result in an absent or disrupted protein product. Loss-of-function variants in SMARCA4 are known to be pathogenic (PMID: 24658001, 24658002). This variant is not present in population databases (gnomAD no frequency). This variant has not been reported in the literature in individuals affected with SMARCA4-related conditions. ClinVar contains an entry for this variant (Variation ID: 823388). For these reasons, this variant has been classified as Pathogenic.

St. Jude Molecular Pathology, St. Jude Children's Research Hospital
Classification: Pathogenic for Rhabdoid tumor predisposition syndrome 2. Last evaluated: 2023-11-13. Review status: criteria provided, single submitter. Criteria: St. Jude Assertion Criteria 2020. Collection method: clinical testing. Allele origin: germline.
Comment: The SMARCA4 c.3277C>T (p.Arg1093Ter) change is a nonsense variant that is predicted to cause premature protein truncation or absence of protein due to nonsense-mediated decay. This variant is absent in gnomAD v2.1.1. In summary, this variant meets criteria to be classified as pathogenic.

GeneDx
Classification: Likely pathogenic. Last evaluated: 2022-12-20. Review status: criteria provided, single submitter. Criteria: GeneDx Variant Classification Process June 2021. Collection method: clinical testing. Allele origin: germline. Affected: yes.
Comment: Reported as a germline variant in a patient with small cell carcinoma of the ovary, hypercalcemic type (Connor et al., 2020); Reported as a germline variant in an adult with an undifferentiated colonic neoplasm (Duan et al., 2021); Nonsense variant predicted to result in protein truncation or nonsense mediated decay in a gene for which loss of function is a known mechanism of disease; Not observed at significant frequency in large population cohorts (gnomAD); This variant is associated with the following publications: (PMID: 24375037, 24658001, Wang2022[Casereport], 29271065, 24658002, 26564006, 33836796, 30662543, 29102090, 31954538)

Literature cited by the submitters: PubMed 24375037 (cited by Ambry Genetics); PubMed 24658001 (cited by Ambry Genetics and Labcorp Genetics (formerly Invitae), Labcorp); PubMed 26564006 (cited by Ambry Genetics); PubMed 29102090 (cited by Ambry Genetics); PubMed 29271065 (cited by Ambry Genetics); PubMed 24658002 (cited by Labcorp Genetics (formerly Invitae), Labcorp).

NM_003072.5(SMARCA4):c.3277C>T (p.Arg1093Ter)

Gene: SMARCA4 (SWI/SNF related BAF chromatin remodeling complex subunit ATPase 4; plus strand). Cytogenetic location: 19p13.2.
Variant type: single nucleotide variant.
Coding change: c.3277C>T on transcript NM_003072.5 (MANE Select); coding-DNA position 3277, C replaced by T.
Protein change: p.Arg1093Ter; replaces arginine 1093 with a stop codon.
Molecular consequence: nonsense. On other transcripts: non-coding transcript variant (1).
Genome position (GRCh38, 1-based): chr19:11,027,845, C>T. VCF-style: chr19-11027845-C-T. GRCh37 (hg19) VCF-style: chr19-11138521-C-T.
Other names: c.3277C>T, p.Arg1093Ter (NM_001128844.3, NM_001128845.2, NM_001128846.2 and 4 more transcripts); c.3277C>T (NM_001128849.2); short protein forms R1093*.
Identifiers: ClinVar variation 823388 (VCV000823388.13), dbSNP rs1600335765, ClinGen allele CA404061486.